The following is an entry in ClinVar:

ClinVar aggregate classification (germline): Uncertain significance (1 of 4 stars; one submission).

Allele frequency attached by ClinVar (database versions not stated): gnomAD exomes 0.00001 and 0.00003; TOPMed 0.00001; gnomAD 0.00002; ExAC 0.00004; 1000 Genomes Project 30x 0.00031; 1000 Genomes Project 0.00040.

Submission:

Labcorp Genetics (formerly Invitae), Labcorp
Classification: Uncertain significance. Last evaluated: 2022-09-27. Review status: criteria provided, single submitter. Criteria: Invitae Variant Classification Sherloc (09022015). Collection method: clinical testing. Allele origin: germline.
Comment: This variant has not been reported in the literature in individuals affected with LRRC10-related conditions. This sequence change replaces methionine, which is neutral and non-polar, with threonine, which is neutral and polar, at codon 33 of the LRRC10 protein (p.Met33Thr). This variant is present in population databases (rs536125045, gnomAD 0.02%). ClinVar contains an entry for this variant (Variation ID: 478147). Algorithms developed to predict the effect of missense changes on protein structure and function output the following: SIFT: "Tolerated"; PolyPhen-2: "Benign"; Align-GVGD: "Class C0". The threonine amino acid residue is found in multiple mammalian species, which suggests that this missense change does not adversely affect protein function. In summary, the available evidence is currently insufficient to determine the role of this variant in disease. Therefore, it has been classified as a Variant of Uncertain Significance.

NM_201550.4(LRRC10):c.98T>C (p.Met33Thr)

Gene: LRRC10 (leucine rich repeat containing 10; minus strand). Cytogenetic location: 12q15.
Variant type: single nucleotide variant.
Coding change: c.98T>C on transcript NM_201550.4 (MANE Select); coding-DNA position 98, T replaced by C.
Protein change: p.Met33Thr; replaces methionine 33 with threonine.
Molecular consequence: missense variant.
Genome position (GRCh38, 1-based): chr12:69,610,741, A>G on the plus strand (T>C on the coding strand, the complement: LRRC10 is on the minus strand). VCF-style: chr12-69610741-A-G. GRCh37 (hg19) VCF-style: chr12-70004521-A-G.
Other names: short protein forms M33T.
Identifiers: ClinVar variation 478147 (VCV000478147.9), dbSNP rs536125045, ClinGen allele CA6681140.